The following is an entry in ClinVar:

ClinVar aggregate classification (germline): Uncertain significance (1 of 4 stars; one submission).

Conditions:
Developmental and epileptic encephalopathy, 8 (DEE8). Also called: HYPEREKPLEXIA AND EPILEPSY. Identifiers: Orphanet 163985, Orphanet 2076, MedGen C1845102, MONDO:0010375, OMIM 300607.

Submission:

Labcorp Genetics (formerly Invitae), Labcorp
Classification: Uncertain significance for Developmental and epileptic encephalopathy, 8. Last evaluated: 2023-01-31. Review status: criteria provided, single submitter. Criteria: Invitae Variant Classification Sherloc (09022015). Collection method: clinical testing. Allele origin: germline.
Comment: In summary, the available evidence is currently insufficient to determine the role of this variant in disease. Therefore, it has been classified as a Variant of Uncertain Significance. Advanced modeling of protein sequence and biophysical properties (such as structural, functional, and spatial information, amino acid conservation, physicochemical variation, residue mobility, and thermodynamic stability) performed at Invitae indicates that this missense variant is not expected to disrupt ARHGEF9 protein function. This variant has not been reported in the literature in individuals affected with ARHGEF9-related conditions. This variant is not present in population databases (gnomAD no frequency). This sequence change replaces glutamic acid, which is acidic and polar, with glycine, which is neutral and non-polar, at codon 69 of the ARHGEF9 protein (p.Glu69Gly).

NM_001353921.2(ARHGEF9):c.227A>G (p.Glu76Gly)

Gene: ARHGEF9 (Cdc42 guanine nucleotide exchange factor 9; minus strand). Cytogenetic location: Xq11.1.
Variant type: single nucleotide variant.
Coding change: c.227A>G on transcript NM_001353921.2 (MANE Select); coding-DNA position 227, A replaced by G.
Protein change: p.Glu76Gly; replaces glutamic acid 76 with glycine.
Molecular consequence: missense variant. On other transcripts: 5 prime UTR variant (3).
Genome position (GRCh38, 1-based): chrX:63,706,433, T>C on the plus strand (A>G on the coding strand, the complement: ARHGEF9 is on the minus strand). VCF-style: chrX-63706433-T-C. GRCh37 (hg19) VCF-style: chrX-62926313-T-C.
Other names: c.47A>G, p.Glu16Gly (NM_001173479.2); c.-101A>G (NM_001173480.2, NM_001369042.1); c.143A>G, p.Glu48Gly (NM_001330495.2, NM_001353927.2, NM_001369033.1 and 8 more transcripts); c.227A>G, p.Glu76Gly (NM_001353922.2); c.245A>G, p.Glu82Gly (NM_001353923.1); c.26A>G, p.Glu9Gly (NM_001353924.2, NM_001353926.2, NM_001369039.1 and 1 more transcripts); c.206A>G, p.Glu69Gly (NM_001353928.2, NM_001369030.1, NM_001369031.1 and 2 more transcripts); c.-477A>G (NM_001369045.1); short protein forms E16G, E48G, E76G, E9G, E82G, E69G.
Identifiers: ClinVar variation 2789769 (VCV002789769.3), dbSNP rs2519904921, ClinGen allele CA413402478.
Genomic context (GRCh38, chrX:63,706,433, plus strand): 5'-TCTGAATTGGGGTCCAGGTGTCCGTTCTGCACATCGCTGGGCCCCTCCTCCACCTCATCC[T>C]CCTGGTTCACCCAGAGCTGTGGAAGCAGGCAAAAGAAAAATAATGAGTTAGCTTCCTTCT-3'
Protein context (NP_001340850.1, residues 66-86): ASFVRLWVNQ[Glu76Gly]DEVEEGPSDV